The following is an entry in ClinVar:

ClinVar aggregate classification (germline): Pathogenic. Review status: criteria provided, multiple submitters, no conflicts (2 of 4 stars). 4 submissions from 4 submitters: Pathogenic (2). 2 of the submissions do not count toward it. Last evaluated 2015-06-16.

Conditions:
Lateral meningocele syndrome (LMNS). Also called: NOTCH3-Related Lateral Meningocele Syndrome. Identifiers: Orphanet 2789, MedGen C1851710, MONDO:0007537, OMIM 130720.

Submissions (4):

GeneDx
Classification: Pathogenic. Last evaluated: 2015-06-16. Review status: criteria provided, single submitter. Criteria: GeneDx Variant Classification (06012015). Collection method: clinical testing. Allele origin: germline. Affected: yes.
Comment: The Y2221X variant in the NOTCH3 gene has been reported previously as a de novo finding in anindividual with features associated with lateral meningocele syndrome (Gripp et al., 2015). This variant ispredicted to cause loss of normal protein function through protein truncation and was not observed inapproximately 6200 individuals of European and African American ancestry in the NHLBI ExomeSequencing Project, indicating it is not a common benign variant in these populations. We interpret Y2221X as a pathogenic variant.

Baylor-Hopkins Center for Mendelian Genomics, Johns Hopkins University School of Medicine
Classification: Pathogenic for Lateral meningocele syndrome. Review status: criteria provided, single submitter. Criteria: Submitter's publication. Collection method: research. Allele origin: de novo. Affected: yes. Observed: 1 variant allele, 1 heterozygote.

OMIM
Classification: Pathogenic for LATERAL MENINGOCELE SYNDROME. Last evaluated: 2015-02-01. Review status: no assertion criteria provided. Collection method: literature only. Allele origin: germline. Not counted in ClinVar's aggregate classification.

GeneReviews
No classification provided. Condition: Lateral meningocele syndrome. Review status: no classification provided. Collection method: literature only. Allele origin: germline. Affected: yes. Not counted in ClinVar's aggregate classification.

Literature cited by the submitters: PubMed 23696373 (cited by OMIM); PubMed 25394726 (cited by OMIM and GeneReviews); NCBI Bookshelf NBK368476 (cited by GeneReviews).

NM_000435.3(NOTCH3):c.6663C>G (p.Tyr2221Ter)

Gene: NOTCH3 (notch receptor 3; minus strand). Cytogenetic location: 19p13.12.
Variant type: single nucleotide variant.
Coding change: c.6663C>G on transcript NM_000435.3 (MANE Select); coding-DNA position 6663, C replaced by G.
Protein change: p.Tyr2221Ter; replaces tyrosine 2221 with a stop codon.
Molecular consequence: nonsense.
Genome position (GRCh38, 1-based): chr19:15,160,965, G>C on the plus strand (C>G on the coding strand, the complement: NOTCH3 is on the minus strand). VCF-style: chr19-15160965-G-C. GRCh37 (hg19) VCF-style: chr19-15271776-G-C.
Other names: short protein forms Y2221*.
Identifiers: ClinVar variation 224883 (VCV000224883.5), dbSNP rs869312911, ClinGen allele CA358562.
Genomic context (GRCh38, chr19:15,160,965, plus strand): 5'-CTCACTGGGAACCCGCAGGAAGCGGGCCTTTGGGGGGCTGCTGTGTGCCCCAGCCGCCGG[G>C]TACTCCTCGCCATGTCCTGGGACTGCCAGGTAAGGCGGGGGCCGCTCCTGCGGGGAGACG-3'